The following is an entry in ClinVar:

ClinVar aggregate classification (germline): Pathogenic (1 of 4 stars; one submission).

Conditions:
Corticosterone methyloxidase type 2 deficiency. Also called: 18-OXIDASE DEFICIENCY; ALDOSTERONE DEFICIENCY DUE TO DEFICIENCY OF STEROID 18-OXIDASE; ALDOSTERONE DEFICIENCY II; CMO II DEFICIENCY; STEROID 18-OXIDASE DEFICIENCY. Identifiers: Orphanet 427, MedGen C3463917, MONDO:0012524, OMIM 610600. Disease mechanism: loss of function.

Allele frequency attached by ClinVar (database versions not stated): gnomAD exomes below 0.00001.

Submission:

3billion
Classification: Pathogenic for Corticosterone methyloxidase type 2 deficiency. Last evaluated: 2023-02-23. Review status: criteria provided, single submitter. Criteria: ACMG Guidelines, 2015. Collection method: clinical testing. Allele origin: unknown. Affected: yes.
Comment: The variant is not observed in the gnomAD v2.1.1 dataset. This variant was predicted to result in a loss or disruption of normal protein function through nonsense-mediated decay (NMD) or protein truncation. Multiple pathogenic variants are reported downstream of the variant. Therefore, this variant is classified as Pathogenic according to the recommendation of ACMG/AMP guideline.

NM_000498.3(CYP11B2):c.1012C>T (p.Gln338Ter)

Genes: CYP11B2 (cytochrome P450 family 11 subfamily B member 2; minus strand), LOC106799834 (CYP11B2 recombination region; plus strand). Cytogenetic location: 8q24.3.
Variant type: single nucleotide variant.
Coding change: c.1012C>T on transcript NM_000498.3 (MANE Select); coding-DNA position 1012, C replaced by T.
Protein change: p.Gln338Ter; replaces glutamine 338 with a stop codon.
Molecular consequence: nonsense.
Genome position (GRCh38, 1-based): chr8:142,913,394, G>A on the plus strand (C>T on the coding strand, the complement: CYP11B2 is on the minus strand). VCF-style: chr8-142913394-G-A. GRCh37 (hg19) VCF-style: chr8-143994810-G-A.
Other names: short protein forms Q338*.
Identifiers: ClinVar variation 2444261 (VCV002444261.1), dbSNP rs1191402804, ClinGen allele CA372387990.